The following is an entry in ClinVar:

NM_005908.4(MANBA):c.*437A>T

Gene: MANBA (mannosidase beta; minus strand). Cytogenetic location: 4q24.
Variant type: single nucleotide variant.
Coding change: c.*437A>T on transcript NM_005908.4 (MANE Select); 437 bases downstream of the stop codon, A replaced by T.
Molecular consequence: 3 prime UTR variant.
Genome position (GRCh38, 1-based): chr4:102,631,620, T>A on the plus strand (A>T on the coding strand, the complement: MANBA is on the minus strand). VCF-style: chr4-102631620-T-A. GRCh37 (hg19) VCF-style: chr4-103552777-T-A.
Identifiers: ClinVar variation 347066 (VCV000347066.5), dbSNP rs80064803, ClinGen allele CA10617631.

ClinVar aggregate classification (germline): Likely benign (1 of 4 stars; one submission).

Conditions:
Beta-D-mannosidosis (MANSB). Also called: LYSOSOMAL BETA-MANNOSIDASE DEFICIENCY; Beta-Mannosidosis; MANNOSIDOSIS, BETA A, LYSOSOMAL; BETA-MANNOSIDASE DEFICIENCY. Identifiers: Orphanet 118, MedGen C4048196, MONDO:0009562, OMIM 248510.

Allele frequency attached by ClinVar (database versions not stated): 1000 Genomes Project 0.00060; gnomAD 0.00088 and 0.00096; gnomAD exomes 0.00007; TOPMed 0.00090; 1000 Genomes Project 30x 0.00125.
gnomAD v4.1: 156 of 414,552 alleles (0.038%); highest among the groups gnomAD compares: African/African-American, 0.26%; 1 homozygote.

Submission:

Illumina Laboratory Services, Illumina
Classification: Likely benign for Beta-D-mannosidosis. Last evaluated: 2018-01-12. Review status: criteria provided, single submitter. Criteria: ICSL Variant Classification Criteria 13 December 2019. Collection method: clinical testing. Allele origin: germline.
Comment: This variant was observed in the ICSL laboratory as part of a predisposition screen in an ostensibly healthy population. It had not been previously curated by ICSL or reported in the Human Gene Mutation Database (HGMD: prior to June 1st, 2018), and was therefore a candidate for classification through an automated scoring system. Utilizing variant allele frequency, disease prevalence and penetrance estimates, and inheritance mode, an automated score was calculated to assess if this variant is too frequent to cause the disease. Based on the score and internal cut-off values, a variant classified as likely benign is not then subjected to further curation. The score for this variant resulted in a classification of likely benign for this disease.